The following is an entry in ClinVar:

NM_001267550.2(TTN):c.38000C>A (p.Ser12667Ter)

Gene: TTN (titin; minus strand). Cytogenetic location: 2q31.2.
Variant type: single nucleotide variant.
Coding change: c.38000C>A on transcript NM_001267550.2 (MANE Select); coding-DNA position 38000, C replaced by A.
Protein change: p.Ser12667Ter; replaces serine 12667 with a stop codon.
Molecular consequence: nonsense. On other transcripts: intron variant (5).
Genome position (GRCh38, 1-based): chr2:178,657,536, G>T on the plus strand (C>A on the coding strand, the complement: TTN is on the minus strand). VCF-style: chr2-178657536-G-T. GRCh37 (hg19) VCF-style: chr2-179522263-G-T.
Other names: c.13283-15219C>A (NM_003319.4); c.13859-15219C>A (NM_133437.4); c.13658-15219C>A (NM_133432.3); c.31741+1469C>A (NM_133378.4); c.34522+1469C>A (NM_001256850.1); short protein forms S12667*.
Identifiers: ClinVar variation 649608 (VCV000649608.9), dbSNP rs572641259, ClinGen allele CA349480851.

ClinVar aggregate classification (germline): Uncertain significance (1 of 4 stars; one submission).

Conditions:
Dilated cardiomyopathy 1G (CMD1G). Identifiers: Orphanet 154, MedGen C1858763, MONDO:0011400, OMIM 604145.
Autosomal recessive limb-girdle muscular dystrophy type 2J (LGMDR10). Also called: Limb-girdle muscular dystrophy, type 2J; MUSCULAR DYSTROPHY, LIMB-GIRDLE, AUTOSOMAL RECESSIVE 10. Identifiers: Orphanet 140922, MedGen C1837342, MONDO:0012127, OMIM 608807.

Submission:

Labcorp Genetics (formerly Invitae), Labcorp
Classification: Uncertain significance for Dilated cardiomyopathy 1G; Autosomal recessive limb-girdle muscular dystrophy type 2J. Last evaluated: 2018-12-02. Review status: criteria provided, single submitter. Criteria: Invitae Variant Classification Sherloc (09022015). Collection method: clinical testing. Allele origin: germline.
Comment: In summary, the available evidence is currently insufficient to determine the role of this variant in disease. Therefore, it has been classified as a Variant of Uncertain Significance. This variant is located in the I band of TTN (PMID: 25589632). Truncating variants in this region have been shown to be highly prevalent in the general population and unaffected individuals (PMID: 26701604, 22335739). However, truncating variants in this region have also been reported in individuals affected with autosomal recessive centronuclear myopathy (PMID: 23975875). Experimental studies and prediction algorithms are not available for this variant, and the functional significance of the affected amino acid(s) is currently unknown. This variant has not been reported in the literature in individuals with TTN-related conditions. This variant is not present in population databases (ExAC no frequency). This sequence change results in a premature translational stop signal in the TTN gene (p.Ser12667*). While this is not anticipated to result in nonsense mediated decay, it is expected to create a truncated TTN protein.

Literature cited by the submitters: PubMed 25589632; PubMed 26701604; PubMed 22335739; PubMed 23975875.